The following is an entry in ClinVar:

ClinVar aggregate classification (germline): Uncertain significance. Review status: criteria provided, multiple submitters, no conflicts (2 of 4 stars). 3 submissions from 3 submitters: Uncertain significance (3). Last evaluated 2026-06-08.

Conditions:
Ehlers-Danlos syndrome due to tenascin-X deficiency (EDSCLL1). Also called: EDS DUE TO TNX DEFICIENCY; TNX DEFICIENCY; Ehlers-Danlos syndrome, classic-like, 1; EHLERS-DANLOS SYNDROME, CLASSIC-LIKE; TNXB-Related Classical-Like Ehlers-Danlos Syndrome. Identifiers: Orphanet 230839, MedGen C1848029, MONDO:0011670, OMIM 606408.
Cardiovascular phenotype. Identifiers: MedGen CN230736.

gnomAD v4.1: 9 of 1,609,890 alleles (0.00056%); highest among the groups gnomAD compares: Non-Finnish European, 0.00068%; no homozygotes.

Submissions (3):

Women's Health and Genetics/Laboratory Corporation of America, LabCorp
Classification: Uncertain significance. Last evaluated: 2026-06-08. Review status: criteria provided, single submitter. Criteria: LabCorp Variant Classification Summary - May 2015. Collection method: clinical testing. Allele origin: germline.

Center for Human Genetics and Genomic Medicine, Uniklinik Rwth Aachen
Classification: Uncertain significance for Ehlers-Danlos syndrome due to tenascin-X deficiency. Last evaluated: 2026-03-27. Review status: criteria provided, single submitter. Criteria: ACMG Guidelines, 2015. Collection method: clinical testing. Allele origin: germline. Affected: yes.

Ambry Genetics
Classification: Uncertain significance for Cardiovascular phenotype. Last evaluated: 2025-11-10. Review status: criteria provided, single submitter. Criteria: Ambry Variant Classification Scheme 2023. Collection method: clinical testing. Allele origin: germline.
Comment: The p.R153L variant (also known as c.458G>T), located in coding exon 2 of the TNXB gene, results from a G to T substitution at nucleotide position 458. The arginine at codon 153 is replaced by leucine, an amino acid with dissimilar properties. This amino acid position is conserved. In addition, the in silico prediction for this alteration is inconclusive. Based on the available evidence, the clinical significance of this variant remains unclear.

NM_001365276.2(TNXB):c.458G>T (p.Arg153Leu)

Gene: TNXB (tenascin XB; minus strand). Cytogenetic location: 6p21.33.
Variant type: single nucleotide variant.
Coding change: c.458G>T on transcript NM_001365276.2 (MANE Select); coding-DNA position 458, G replaced by T.
Protein change: p.Arg153Leu; replaces arginine 153 with leucine.
Molecular consequence: missense variant.
Genome position (GRCh38, 1-based): chr6:32,097,395, C>A on the plus strand (G>T on the coding strand, the complement: TNXB is on the minus strand). VCF-style: chr6-32097395-C-A. GRCh37 (hg19) VCF-style: chr6-32065172-C-A.
Other names: c.458G>T, p.Arg153Leu (NM_019105.8); short protein forms R153L.
Identifiers: ClinVar variation 2318034 (VCV002318034.5), dbSNP rs773546748, ClinGen allele CA3735843.
Genomic context (GRCh38, chr6:32,097,395, plus strand): 5'-GCATCTGTGGGGTCTGAGCAGGTGGGCCCACCCCAGCCTGGCTCACAGGAACAGGTGCAG[C>A]GGCTCAGATCAAACACACCATGGAGACTGCAGAGGGTCCGCACATCTGTCTGACCTGGAG-3'
Protein context (NP_001352205.1, residues 143-163): CSLHGVFDLS[Arg153Leu]CTCSCEPGWG